The following is an entry in ClinVar:

ClinVar aggregate classification (germline): Uncertain significance. Review status: criteria provided, multiple submitters, no conflicts (2 of 4 stars). 3 submissions from 3 submitters: Uncertain significance (2). 1 of the submissions does not count toward it. Last evaluated 2024-07-14.

Conditions:
PLXNA2-related disorder. Also called: PLXNA2-related condition.

Allele frequency attached by ClinVar (database versions not stated): gnomAD 0.00002; gnomAD exomes 0.00005 and 0.00008; TOPMed 0.00005; ExAC 0.00008.
gnomAD v4.1: 80 of 1,612,798 alleles (0.005%); highest among the groups gnomAD compares: Admixed American, 0.032%; no homozygotes.

Submissions (3):

Ambry Genetics
Classification: Uncertain significance. Last evaluated: 2024-07-14. Review status: criteria provided, single submitter. Criteria: Ambry Variant Classification Scheme 2023. Collection method: clinical testing. Allele origin: germline.

Labcorp Genetics (formerly Invitae), Labcorp
Classification: Uncertain significance. Last evaluated: 2024-05-15. Review status: criteria provided, single submitter. Criteria: Invitae Variant Classification Sherloc (09022015). Collection method: clinical testing. Allele origin: germline.
Comment: This sequence change replaces arginine, which is basic and polar, with histidine, which is basic and polar, at codon 493 of the PLXNA2 protein (p.Arg493His). This variant is present in population databases (rs780752137, gnomAD 0.06%), and has an allele count higher than expected for a pathogenic variant. This variant has not been reported in the literature in individuals affected with PLXNA2-related conditions. ClinVar contains an entry for this variant (Variation ID: 1384219). Advanced modeling of protein sequence and biophysical properties (such as structural, functional, and spatial information, amino acid conservation, physicochemical variation, residue mobility, and thermodynamic stability) performed at Invitae indicates that this missense variant is not expected to disrupt PLXNA2 protein function with a negative predictive value of 80%. In summary, the available evidence is currently insufficient to determine the role of this variant in disease. Therefore, it has been classified as a Variant of Uncertain Significance.

PreventionGenetics, part of Exact Sciences
Classification: Uncertain significance for PLXNA2-related condition. Last evaluated: 2024-09-24. Review status: no assertion criteria provided. Collection method: clinical testing. Allele origin: germline. Not counted in ClinVar's aggregate classification.
Comment: The PLXNA2 c.1478G>A variant is predicted to result in the amino acid substitution p.Arg493His. To our knowledge, this variant has not been reported in the literature. This variant is reported in 0.051% of alleles in individuals of Latino descent in gnomAD, which may be too common to be an unreported disease-causing variant. Although we suspect that this variant may be benign, at this time, the clinical significance of this variant is uncertain due to the absence of conclusive functional and genetic evidence.

NM_025179.4(PLXNA2):c.1478G>A (p.Arg493His)

Gene: PLXNA2 (plexin A2; minus strand). Cytogenetic location: 1q32.2.
Variant type: single nucleotide variant.
Coding change: c.1478G>A on transcript NM_025179.4 (MANE Select); coding-DNA position 1478, G replaced by A.
Protein change: p.Arg493His; replaces arginine 493 with histidine.
Molecular consequence: missense variant.
Genome position (GRCh38, 1-based): chr1:208,142,357, C>T on the plus strand (G>A on the coding strand, the complement: PLXNA2 is on the minus strand). VCF-style: chr1-208142357-C-T. GRCh37 (hg19) VCF-style: chr1-208315702-C-T.
Other names: c.1478G>A (NM_025179.3); short protein forms R493H.
Identifiers: ClinVar variation 1384219 (VCV001384219.9), dbSNP rs780752137, ClinGen allele CA1373837.